The following is an entry in ClinVar:

ClinVar aggregate classification (germline): Pathogenic/Likely pathogenic. Review status: criteria provided, multiple submitters, no conflicts (2 of 4 stars). 2 submissions from 2 submitters: Pathogenic (1); Likely pathogenic (1). Last evaluated 2025-10-05.

Conditions:
Hepatoencephalopathy due to combined oxidative phosphorylation defect type 1. Also called: HEPATOENCEPHALOPATHY, EARLY FATAL PROGRESSIVE. Identifiers: Orphanet 137681, MedGen C1836797, MONDO:0012191, OMIM 609060.

Submissions (2):

Labcorp Genetics (formerly Invitae), Labcorp
Classification: Pathogenic. Last evaluated: 2025-10-05. Review status: criteria provided, single submitter. Criteria: Invitae Variant Classification Sherloc (09022015). Collection method: clinical testing. Allele origin: germline.
Comment: This sequence change creates a premature translational stop signal (p.Gly495*) in the GFM1 gene. It is expected to result in an absent or disrupted protein product. Loss-of-function variants in GFM1 are known to be pathogenic (PMID: 16632485, 17160893). This variant is not present in population databases (gnomAD no frequency). This variant has not been reported in the literature in individuals affected with GFM1-related conditions. For these reasons, this variant has been classified as Pathogenic.

Natera, Inc.
Classification: Likely pathogenic for Combined oxidative phosphorylation deficiency 1. Last evaluated: 2024-02-22. Review status: criteria provided, single submitter. Criteria: Natera Variant Classification Schema (03/2026). Collection method: clinical testing. Allele origin: germline.
Comment: The c.1483G>T variant in GFM1 is a nonsense variant predicted to introduce a stop codon at amino acid 495. This variant is expected to result in nonsense mediated decay, truncation, or a dysfunctional protein product. This variant is rare in the general population with a frequency below the threshold expected for the associated phenotype(s). Given the available evidence, this variant is classified as Likely Pathogenic.

Literature cited by the submitters: PubMed 16632485 (cited by Labcorp Genetics (formerly Invitae), Labcorp); PubMed 17160893 (cited by Labcorp Genetics (formerly Invitae), Labcorp).

NM_024996.7(GFM1):c.1483G>T (p.Gly495Ter)

Gene: GFM1 (G elongation factor mitochondrial 1; plus strand). Cytogenetic location: 3q25.32.
Variant type: single nucleotide variant.
Coding change: c.1483G>T on transcript NM_024996.7 (MANE Select); coding-DNA position 1483, G replaced by T.
Protein change: p.Gly495Ter; replaces glycine 495 with a stop codon.
Molecular consequence: nonsense. On other transcripts: non-coding transcript variant (4).
Genome position (GRCh38, 1-based): chr3:158,665,439, G>T. VCF-style: chr3-158665439-G-T. GRCh37 (hg19) VCF-style: chr3-158383228-G-T.
Other names: c.1540G>T, p.Gly514Ter (NM_001308164.2); c.1483G>T, p.Gly495Ter (NM_001308166.2); c.1402G>T, p.Gly468Ter (NM_001374355.1); c.1366G>T, p.Gly456Ter (NM_001374356.1); c.1258G>T, p.Gly420Ter (NM_001374357.1); c.1024G>T, p.Gly342Ter (NM_001374358.1); c.916G>T, p.Gly306Ter (NM_001374359.1, NM_001374360.1); c.799G>T, p.Gly267Ter (NM_001374361.1); and 1 more; short protein forms G267*, G306*, G420*, G468*, G495*, G342*, G514*, G456*.
Identifiers: ClinVar variation 4728484 (VCV004728484.2).
Genomic context (GRCh38, chr3:158,665,439, plus strand): 5'-AGAGAAGATCCCACATTTAAAGTATACTTTGACACTGAGAACAAAGAGACAGTTATATCT[G>T]GAATGGGAGAATTACACCTGGAAATCTATGCTCAGGTAATGAATAATAAGGAAGTTAAGT-3'